The following is an entry in ClinVar:

ClinVar aggregate classification (germline): Uncertain significance. Review status: criteria provided, multiple submitters, no conflicts (2 of 4 stars). 5 submissions from 5 submitters: Uncertain significance (5). Last evaluated 2026-06-26.

Conditions:
Usher syndrome type 3B. Also called: USHER SYNDROME, TYPE IIIB. Identifiers: MedGen C3281066, MONDO:0013788, OMIM 614504.
HARS1-related ataxia condition.

Allele frequency attached by ClinVar (database versions not stated): gnomAD exomes below 0.00001; TOPMed 0.00001; gnomAD 0.00002; ESP Exome Variant Server 0.00008.
gnomAD v4.1: 9 of 1,609,574 alleles (0.00056%); highest among the groups gnomAD compares: African/African-American, 0.0027%; no homozygotes.

Submissions (5):

GeneDx
Classification: Uncertain significance. Last evaluated: 2026-06-26. Review status: criteria provided, single submitter. Criteria: GeneDx Variant Classification Process June 2021. Collection method: clinical testing. Allele origin: germline.
Comment: Nonsense variant predicted to result in protein truncation as the last 20 amino acids are lost with an unclear effect on protein function; Not observed at significant frequency in large population cohorts (gnomAD); Has not been previously published as pathogenic or benign to our knowledge

Undiagnosed Diseases Network, NIH
Classification: Uncertain significance for HARS1-related ataxia condition. Last evaluated: 2025-10-13. Review status: criteria provided, single submitter. Criteria: ACMG Guidelines, 2015. Collection method: clinical testing, in vitro. Allele origin: paternal, not applicable. Inheritance: Autosomal recessive inheritance. Affected: yes. Observed: 1 variant allele, 1 compound heterozygote. Functional consequence: NMD_escaping_variant. Study: Undiagnosed Diseases Network (NIH), UDN.
Comment: This premature termination variant in exon 13 of 13 is predicted to escape nonsense-mediated decay (NMD). RNAseq supported escape from NMD.

Labcorp Genetics (formerly Invitae), Labcorp
Classification: Uncertain significance for Usher syndrome type 3B. Last evaluated: 2025-07-09. Review status: criteria provided, single submitter. Criteria: Invitae Variant Classification Sherloc (09022015). Collection method: clinical testing. Allele origin: germline.
Comment: This sequence change creates a premature translational stop signal (p.Arg490*) in the HARS gene. While this is not anticipated to result in nonsense mediated decay, it is expected to disrupt the last 20 amino acid(s) of the HARS protein. This variant is not present in population databases (gnomAD no frequency). This variant has not been reported in the literature in individuals affected with HARS-related conditions. ClinVar contains an entry for this variant (Variation ID: 837043). Experimental studies and prediction algorithms are not available or were not evaluated, and the functional significance of this variant is currently unknown. In summary, the available evidence is currently insufficient to determine the role of this variant in disease. Therefore, it has been classified as a Variant of Uncertain Significance.

Blueprint Genetics
Classification: Uncertain significance. Last evaluated: 2023-09-18. Review status: criteria provided, single submitter. Criteria: ACMG Guidelines, 2015. Collection method: clinical testing. Allele origin: germline.

Ambry Genetics
Classification: Uncertain significance. Last evaluated: 2023-01-07. Review status: criteria provided, single submitter. Criteria: Ambry Variant Classification Scheme 2023. Collection method: clinical testing. Allele origin: germline.
Comment: Loss of function has not been established as a mechanism of disease Based on insufficient or conflicting evidence, the clinical significance of this alteration remains unclear.

NM_002109.6(HARS1):c.1468C>T (p.Arg490Ter)

Gene: HARS1 (histidyl-tRNA synthetase 1; minus strand). Cytogenetic location: 5q31.3.
Variant type: single nucleotide variant.
Coding change: c.1468C>T on transcript NM_002109.6 (MANE Select); coding-DNA position 1468, C replaced by T.
Protein change: p.Arg490Ter; replaces arginine 490 with a stop codon.
Molecular consequence: nonsense.
Genome position (GRCh38, 1-based): chr5:140,674,319, G>A on the plus strand (C>T on the coding strand, the complement: HARS1 is on the minus strand). VCF-style: chr5-140674319-G-A. GRCh37 (hg19) VCF-style: chr5-140053904-G-A.
Other names: p.Arg490Ter; c.1348C>T, p.Arg450Ter (NM_001258040.3); c.1408C>T, p.Arg470Ter (NM_001258041.3); c.1288C>T, p.Arg430Ter (NM_001258042.3); c.1246C>T, p.Arg416Ter (NM_001289092.2); c.1126C>T, p.Arg376Ter (NM_001289093.2); c.1381C>T, p.Arg461Ter (NM_001289094.2); c.1468C>T (NM_002109.3); short protein forms R490*, R376*, R416*, R470*, R430*, R450*, R461*.
Identifiers: ClinVar variation 837043 (VCV000837043.14), dbSNP rs373709175, ClinGen allele CA128376536.